The following is an entry in ClinVar:

ClinVar aggregate classification (germline): Uncertain significance. Review status: criteria provided, multiple submitters, no conflicts (2 of 4 stars). 2 submissions from 2 submitters: Uncertain significance (2). Last evaluated 2025-08-11.

Conditions:
Hereditary cancer-predisposing syndrome. Also called: Neoplastic Syndromes, Hereditary; Hereditary Cancer Syndrome; Hereditary neoplastic syndrome; Tumor predisposition. Identifiers: Orphanet 140162, MedGen C0027672, MeSH D009386, MONDO:0015356.
Gastrointestinal stromal tumor. Also called: Gastrointestinal stromal tumor, somatic; Gastrointestinal stroma tumor. Identifiers: Orphanet 44890, MedGen C0238198, MeSH D046152, MONDO:0011719, OMIM 606764, HP:0100723.

Allele frequency attached by ClinVar (database versions not stated): TOPMed below 0.00001; gnomAD exomes 0.00001.
gnomAD v4.1: 7 of 1,613,896 alleles (0.00043%); highest among the groups gnomAD compares: Non-Finnish European, 0.00059%; no homozygotes.

Submissions (2):

Labcorp Genetics (formerly Invitae), Labcorp
Classification: Uncertain significance for Gastrointestinal stromal tumor. Last evaluated: 2025-08-11. Review status: criteria provided, single submitter. Criteria: Invitae Variant Classification Sherloc (09022015). Collection method: clinical testing. Allele origin: germline.
Comment: This sequence change replaces alanine, which is neutral and non-polar, with serine, which is neutral and polar, at codon 529 of the PDGFRA protein (p.Ala529Ser). This variant is not present in population databases (gnomAD no frequency). This variant has not been reported in the literature in individuals affected with PDGFRA-related conditions. ClinVar contains an entry for this variant (Variation ID: 972461). An algorithm developed to predict the effect of missense changes on protein structure and function (PolyPhen-2) suggests that this variant is likely to be disruptive. In summary, the available evidence is currently insufficient to determine the role of this variant in disease. Therefore, it has been classified as a Variant of Uncertain Significance.

Ambry Genetics
Classification: Uncertain significance for Hereditary cancer-predisposing syndrome. Last evaluated: 2024-01-14. Review status: criteria provided, single submitter. Criteria: Ambry Variant Classification Scheme 2023. Collection method: clinical testing. Allele origin: germline.
Comment: The p.A529S variant (also known as c.1585G>T), located in coding exon 10 of the PDGFRA gene, results from a G to T substitution at nucleotide position 1585. The alanine at codon 529 is replaced by serine, an amino acid with similar properties. This amino acid position is conserved. In addition, the in silico prediction for this alteration is inconclusive. Since supporting evidence is limited at this time, the clinical significance of this alteration remains unclear.

NM_006206.6(PDGFRA):c.1585G>T (p.Ala529Ser)

Gene: PDGFRA (platelet derived growth factor receptor alpha; plus strand). Cytogenetic location: 4q12.
Variant type: single nucleotide variant.
Coding change: c.1585G>T on transcript NM_006206.6 (MANE Select); coding-DNA position 1585, G replaced by T.
Protein change: p.Ala529Ser; replaces alanine 529 with serine.
Molecular consequence: missense variant.
Genome position (GRCh38, 1-based): chr4:54,274,557, G>T. VCF-style: chr4-54274557-G-T. GRCh37 (hg19) VCF-style: chr4-55140724-G-T.
Other names: c.1585G>T, p.Ala529Ser (NM_001347827.2, NM_001347829.2); c.1660G>T, p.Ala554Ser (NM_001347828.2); c.1624G>T, p.Ala542Ser (NM_001347830.2); short protein forms A542S, A529S, A554S.
Identifiers: ClinVar variation 972461 (VCV000972461.10), dbSNP rs1723601719, ClinGen allele CA356892872.